The following continues an entry in ClinVar:

NM_000518.5(HBB):c.27dup (p.Ser10fs)

ClinVar aggregate classification (germline): Pathogenic. Pathogenic (27).

Submissions 10 to 25 of 34:

Johns Hopkins Genomics, Johns Hopkins University
Classification: Pathogenic for Beta-thalassemia HBB/LCRB. Last evaluated: 2024-04-29. Review status: criteria provided, single submitter. Criteria: ACMG Guidelines, 2015. Collection method: clinical testing. Allele origin: germline.
Comment: This HBB variant has been reported in the homozygous or compound heterozygous state in several individuals with autosomal recessive beta thalassemia. It (rs35699606) is rare (<0.1%) in a large population dataset (gnomAD v4.1.0: 210/1613172 total alleles; 0.01%; 2 homozygotes), and has been reported in ClinVar (Variation ID 36308). This frameshift variant results in a premature stop codon in exon 1 of 3, likely leading to nonsense-mediated decay and lack of protein production. We consider c.27dup in HBB to be pathogenic.

Clinical Genetics Laboratory, Skane University Hospital Lund
Classification: Pathogenic. Last evaluated: 2024-01-26. Review status: criteria provided, single submitter. Criteria: ACMG Guidelines, 2015. Collection method: clinical testing. Allele origin: germline. Affected: yes.

Revvity Omics, Revvity
Classification: Pathogenic. Last evaluated: 2023-05-02. Review status: criteria provided, single submitter. Criteria: ACMG Guidelines, 2015. Collection method: clinical testing. Allele origin: germline.

Laboratory for Molecular Medicine, Mass General Brigham Personalized Medicine
Classification: Pathogenic for beta Thalassemia. Last evaluated: 2022-11-03. Review status: criteria provided, single submitter. Criteria: ACMG Guidelines, 2015. Collection method: clinical testing. Allele origin: germline.
Comment: The p.Ser10Valfs*14 variant in HBB is a well-known pathogenic variant associated with autosomal recessive beta-Thalassemia (selected references Kazazian 1984 PMID: 6714226, Villegas 1998 PMID: 9949622, Jalilian 2017 PMID: 283917585). This variant has been reported in ClinVar (Variation ID 36308) and was identified in 16/4826 South Asian chromosomes by gnomAD. This variant is predicted to cause a frameshift, which alters the protein’s amino acid sequence beginning at position 10 and leads to a premature termination codon 14 amino acids downstream. This alteration is then predicted to lead to a truncated or absent protein. Loss of function of the HBB gene is an established disease mechanism in autosomal recessive beta thalassemia. In summary, this variant meets criteria to be classified as pathogenic for autosomal recessive beta thalassemia. ACMG/AMP Criteria applied: PM2_Supporting, PVS1, PM3_Strong.

GeneDx
Classification: Pathogenic. Last evaluated: 2022-07-29. Review status: criteria provided, single submitter. Criteria: GeneDx Variant Classification Process June 2021. Collection method: clinical testing. Allele origin: germline. Affected: yes.
Comment: Frameshift variant predicted to result in protein truncation or nonsense mediated decay in a gene for which loss-of-function is a known mechanism of disease; This variant is associated with the following publications: (PMID: 22975760, 27453201, 28635337, 6714226, 8537236, 9949622, 28391758, 27263053)

3billion
Classification: Pathogenic for Beta-thalassemia HBB/LCRB. Last evaluated: 2022-05-22. Review status: criteria provided, single submitter. Criteria: ACMG Guidelines, 2015. Collection method: clinical testing. Allele origin: germline. Affected: yes. Observed: 1 heterozygote.
Comment: The variant is observed at an extremely low frequency in the gnomAD v2.1.1 dataset (total allele frequency: 0.025%). Frameshift: predicted to result in a loss or disruption of normal protein function through nonsense-mediated decay (NMD) or protein truncation. Multiple pathogenic variants are reported downstream of the variant. The variant has been reported at least twice as pathogenic with clinical assertions and evidence for the classification (ClinVar ID: VCV000036308 / PMID: 6714226). Therefore, this variant is classified as pathogenic according to the recommendation of ACMG/AMP guideline.

Genome-Nilou Lab
Classification: Pathogenic for Beta-thalassemia HBB/LCRB. Last evaluated: 2021-07-22. Review status: criteria provided, single submitter. Criteria: ACMG Guidelines, 2015. Collection method: clinical testing. Allele origin: germline. Affected: no.

Genetic Diagnostics Department, Viafet Genomics Laboratory
Classification: Pathogenic for Beta-thalassemia HBB/LCRB. Last evaluated: 2021-03-25. Review status: criteria provided, single submitter. Criteria: ACMG Guidelines, 2015. Collection method: clinical testing. Allele origin: germline. Inheritance: Autosomal recessive inheritance. Affected: yes and no. Observed: 26 heterozygotes, 3 compound heterozygotes, 1 homozygote. Clinical features observed: Hepatosplenomegaly, Failure to thrive, Diarrhea, Pallor, Fatigue, Anemia. Segregation with disease observed.
Comment: Viafet Genomics Laboratory has identified this variant in one homozygous and three compound heterozygous individuals affected with Beta-Thalassemia. In addition, this variant was reported in 26 individuals, as part of Carrier Screening testing, who were not affected with this condition.

Myriad Genetics, Inc.
Classification: Pathogenic for Beta-thalassemia HBB/LCRB. Last evaluated: 2019-12-19. Review status: criteria provided, single submitter. Criteria: Myriad Women's Health Autosomal Recessive and X-Linked Classification Criteria (2019). Collection method: clinical testing. Allele origin: unknown.
Comment: NM_000518.4(HBB):c.27dupG(S10Vfs*14) is classified as pathogenic in the context of Hb beta chain-related hemoglobinopathy; it is associated with beta thalassemia and is classified as a beta-zero variant. Sources cited for classification include the following: PMID 22110956, 9949622, 24369358, 6714226, 16821247 and 21509314. Classification of NM_000518.4(HBB):c.27dupG(S10Vfs*14) is based on the following criteria: The variant causes a premature termination codon that is expected to be targeted by nonsense-mediated mRNA decay and is reported in individuals with the relevant phenotype. Please note: this variant was assessed in the context of healthy population screening.

Illumina Laboratory Services, Illumina
Classification: Pathogenic for HBB-Related Disorders. Last evaluated: 2017-04-28. Review status: criteria provided, single submitter. Criteria: ICSL Variant Classification Criteria 09 May 2019. Collection method: clinical testing. Allele origin: germline.
Comment: The HBB c.27dupG (p.Ser10ValfsTer14) variant results in a frameshift and is predicted to result in premature termination of the protein. The p.Ser10ValfsTer14 variant, also known as cd8/9+G, is a well-described pathogenic variant. Across a selection of the available literature the p.Ser10ValfsTer14 variant has been reported in at least 229 disease alleles in individuals with HBB-related disorders, including in at least 38 patients in a homozygous state and 30 patients in a compound heterozygous state. The zygosity of the remaining alleles is not known (Kazazian et al. 1984; Villegas et al. 1998; Ansari et al. 2011; Hoppe et al 2013; El-Shanshory et al. 2014; Yasmeen et al. 2016). The variant is reported at frequencies from 1% to 47% depending on the ethnic background but is more common in the South Asian and Middle Eastern populations (Lahiry et al. 2008; Ansari et al. 2011). Control data are unavailable for the p.Ser10ValfsTer14 variant, which is reported at a frequency of 0.00206 in the South Asian population of the Exome Aggregation Consortium. Based on the potential impact of frameshift variants and the supporting evidence from the literature, the p.Ser10ValfsTer14 variant is classified as pathogenic for HBB-related disorders. This variant was observed by ICSL as part of a predisposition screen in an ostensibly healthy population.

Knight Diagnostic Laboratories, Oregon Health and Sciences University
Classification: Pathogenic for Beta-thalassemia HBB/LCRB. Last evaluated: 2016-01-27. Review status: criteria provided, single submitter. Criteria: ACMG Guidelines, 2015. Collection method: clinical testing. Allele origin: germline. Affected: no. Study: CSER-NextGen.
Comment: The c.27dupG (p.Ser10Valfs*14) frameshift variant in the HBB gene is a well-known variant associated with autosomal recessive Beta-Thalassemia (Baysal, 2005; Sinha et al., 2009; Al-Gazali et al., 2010; Ankala et al., 2015). This variant is predicted to cause a protein termination in exon 1 (out of a total of 3 exons in the coding sequence). Frameshift variants have been described in the HBB gene in several affected individuals and are, therefore, a common mechanism of disease. This variant is located upstream of two heme binding sites and two 2,3-biphosphoglycerate binding sites, and thus, the truncated protein would lack these important binding sites. This c.27dupG has been reported at low frequency in the control population databases (Exome Sequencing Project [ESP] = NA, 1000 Genomes = NA, and ExAC = 0.206%). In silico algorithms predict the resulting transcript will be targeted for the Nonsense Mediated Decay (NMD) Pathway. Therefore, this collective evidence supports the classification of the c.27dupG (p.Ser10Valfs*14) as a recessive Pathogenic variant for Beta-Thalassemia.

Clinical Genetics and Genomics, Karolinska University Hospital
Classification: Pathogenic. Last evaluated: 2015-05-28. Review status: criteria provided, single submitter. Criteria: ACMG Guidelines, 2015. Collection method: clinical testing. Allele origin: germline. Affected: yes. Observed: 29 variant alleles.

Women's Health and Genetics/Laboratory Corporation of America, LabCorp
Classification: Pathogenic for Beta Thalassemia. Last evaluated: 2011-08-18. Review status: criteria provided, single submitter. Criteria: LabCorp Variant Classification Summary - May 2015. Collection method: curation, clinical testing. Allele origin: germline. Inheritance: autosomal recessive. Affected: yes. Observed: 20 variant alleles.
ClinVar note: Converted during submission from pathogenic to Pathogenic.

Baylor Genetics
Classification: Pathogenic for Hb SS disease. Review status: criteria provided, single submitter. Criteria: ACMG Guidelines, 2015. Collection method: clinical testing. Allele origin: germline.

CENTOGENE GmbH and LLC - Guiding Precision Medicine
Classification: Pathogenic for Beta-thalassemia. Review status: criteria provided, single submitter. Criteria: ACMG Guidelines, 2015. Collection method: clinical testing. Allele origin: germline. Affected: yes.

Kariminejad - Najmabadi Pathology & Genetics Center
Classification: Pathogenic for Hb SS disease. Review status: criteria provided, single submitter. Criteria: ACMG Guidelines, 2015. Collection method: clinical testing. Allele origin: germline. Affected: no.